The following is an entry in ClinVar:

NM_001918.5(DBT):c.650dup (p.Leu217fs)

Gene: DBT (dihydrolipoamide branched chain transacylase E2; minus strand). Cytogenetic location: 1p21.2.
Variant type: Duplication.
Coding change: c.650dup on transcript NM_001918.5 (MANE Select); coding-DNA position 650, one base duplicated (T; older notation c.650dupT).
Protein change: p.Leu217fs; shifts the reading frame from leucine 217.
Molecular consequence: frameshift variant. On other transcripts: non-coding transcript variant (3).
Genome position (GRCh38, 1-based): chr1:100,216,105, A duplicated on the plus strand (T on the coding strand, the reverse complement: DBT is on the minus strand); the first of 2 consecutive A bases (chr1:100,216,105-100,216,106); duplicating either gives the same sequence. VCF-style (leftmost placement, unchanged base first): chr1-100216104-C-CA. GRCh37 (hg19) VCF-style: chr1-100681660-C-CA.
Other names: c.107dup, p.Leu36fs (NM_001399969.1, NM_001399972.1); short protein forms L217fs, L36fs.
Identifiers: ClinVar variation 2202826 (VCV002202826.4), dbSNP rs2524154333, ClinGen allele CA658820832.

ClinVar aggregate classification (germline): Pathogenic (1 of 4 stars; one submission).

Conditions:
Maple syrup urine disease (MSUD). Identifiers: Orphanet 511, MedGen C0024776, MeSH D008375, MONDO:0009563. Disease mechanism: loss of function.

Submission:

Labcorp Genetics (formerly Invitae), Labcorp
Classification: Pathogenic for Maple syrup urine disease. Last evaluated: 2022-09-13. Review status: criteria provided, single submitter. Criteria: Invitae Variant Classification Sherloc (09022015). Collection method: clinical testing. Allele origin: germline.
Comment: This sequence change creates a premature translational stop signal (p.Leu217Phefs*8) in the DBT gene. It is expected to result in an absent or disrupted protein product. Loss-of-function variants in DBT are known to be pathogenic (PMID: 16579849, 16786533). This variant is not present in population databases (gnomAD no frequency). This premature translational stop signal has been observed in individual(s) with Maple syrup urine disease (PMID: 24268812). This variant is also known as c.650-651insT. For these reasons, this variant has been classified as Pathogenic.

Literature cited by the submitters: PubMed 16579849; PubMed 16786533; PubMed 24268812.